The following is an entry in ClinVar:

ClinVar aggregate classification (germline): Pathogenic/Likely pathogenic. Review status: criteria provided, multiple submitters, no conflicts (2 of 4 stars). 8 submissions from 8 submitters: Pathogenic (5); Likely pathogenic (3). Last evaluated 2026-02-01.

Conditions:
Hereditary cancer-predisposing syndrome. Also called: Hereditary Cancer Syndrome; Tumor predisposition; Neoplastic Syndromes, Hereditary; Hereditary neoplastic syndrome. Identifiers: Orphanet 140162, MedGen C0027672, MeSH D009386, MONDO:0015356.
BARD1-related disorder. Also called: BARD1-related condition.
Familial cancer of breast. Also called: hereditary breast carcinoma; Hereditary breast cancer; BREAST CANCER, FAMILIAL. Identifiers: Orphanet 227535, MedGen C0346153, MONDO:0016419, OMIM 114480. Disease mechanism: loss of function.

Submissions (8):

CeGaT Center for Human Genetics Tuebingen
Classification: Pathogenic. Last evaluated: 2026-02-01. Review status: criteria provided, single submitter. Criteria: CeGaT Center For Human Genetics Tuebingen Variant Classification Criteria Version 2. Collection method: clinical testing. Allele origin: germline. Affected: yes. Observed: 1 variant allele.
Comment: BARD1: PVS1, PM2

Labcorp Genetics (formerly Invitae), Labcorp
Classification: Pathogenic for Familial cancer of breast. Last evaluated: 2025-12-30. Review status: criteria provided, single submitter. Criteria: Invitae Variant Classification Sherloc (09022015). Collection method: clinical testing. Allele origin: germline.
Comment: This sequence change creates a premature translational stop signal (p.Leu211*) in the BARD1 gene. It is expected to result in an absent or disrupted protein product. Loss-of-function variants in BARD1 are known to be pathogenic (PMID: 20077502, 21344236). This variant is not present in population databases (gnomAD no frequency). This premature translational stop signal has been observed in individual(s) with pancreatic cancer (PMID: 28726808, 31159747). ClinVar contains an entry for this variant (Variation ID: 545984). For these reasons, this variant has been classified as Pathogenic.

Color Diagnostics, LLC DBA Color Health
Classification: Pathogenic for Hereditary cancer-predisposing syndrome. Last evaluated: 2025-02-18. Review status: criteria provided, single submitter. Criteria: ACMG Guidelines, 2015. Collection method: clinical testing. Allele origin: germline.
Comment: This variant changes 1 nucleotide in exon 4 of the BARD1 gene, creating a premature translation stop signal. This variant is expected to result in an absent or non-functional protein product. This variant has been observed in an individual affected with breast cancer meeting National Comprehensive Cancer Network v.1.2020 guidelines for molecular testing (PMID: 37239058), individuals affected with pancreatic cancer (PMID: 28726808, 29922827, 29982661), a child affected with neuroblastoma (PMID: 36187937), and an individual referred for genetic testing (PMID: 31159747). This variant has not been identified in the general population by the Genome Aggregation Database (gnomAD). Loss of BARD1 function is a known mechanism of disease. Based on the available evidence, this variant is classified as Pathogenic.

Blueprint Genetics
Classification: Likely pathogenic for BARD1-related disorders. Last evaluated: 2024-09-10. Review status: criteria provided, single submitter. Criteria: ACMG Guidelines, 2015. Collection method: clinical testing. Allele origin: germline. Affected: yes. Observed: 5 variant alleles.

Myriad Genetics, Inc.
Classification: Pathogenic for Familial cancer of breast. Last evaluated: 2023-05-19. Review status: criteria provided, single submitter. Criteria: Myriad Autosomal Dominant, Autosomal Recessive and X-Linked Classification Criteria (2023). Collection method: clinical testing. Allele origin: unknown.
Comment: This variant is considered pathogenic. This variant creates a termination codon and is predicted to result in premature protein truncation.

GeneKor MSA
Classification: Likely pathogenic. Last evaluated: 2020-01-01. Review status: criteria provided, single submitter. Criteria: ACMG Guidelines, 2015. Collection method: clinical testing. Allele origin: germline. Affected: no.
Comment: This variant is a single amino acid change from Leucine to a premature translational stop signal at codon 211 of the BARD1 protein. This is expected to result in an absent or disrupted protein product. Truncating variants in BARD1 are known to be pathogenic (PMID: 21344236, 22006311, 20077502). This variant has been described in the international literature in individuals undergoing panel testing for hereditary syndrome (PMID: 31159747).

Ambry Genetics
Classification: Pathogenic for Hereditary cancer-predisposing syndrome. Last evaluated: 2019-08-21. Review status: criteria provided, single submitter. Criteria: Ambry Variant Classification Scheme 2023. Collection method: clinical testing. Allele origin: germline.
Comment: The p.L211* variant (also known as c.632T>A), located in coding exon 4 of the BARD1 gene, results from a T to A substitution at nucleotide position 632. This changes the amino acid from a leucine to a stop codon within coding exon 4. This alteration has been identified in a patient affected with pancreatic ductal adenocarcinoma (PDAC) with a family history of four additional relatives affected with PDAC (Chaffee KG et al. Genet. Med., 2018 01;20:119-127). In addition to the clinical data presented in the literature, this alteration is expected to result in loss of function by premature protein truncation or nonsense-mediated mRNA decay. As such, this alteration is interpreted as a disease-causing mutation.

GeneDx
Classification: Likely pathogenic. Last evaluated: 2016-06-24. Review status: criteria provided, single submitter. Criteria: GeneDx Variant Classification (06012015). Collection method: clinical testing. Allele origin: germline. Affected: yes.
Comment: This variant is denoted BARD1 c.632T>A at the cDNA level and p.Leu211Ter (L211X) at the protein level. The substitution creates a nonsense variant, which changes a Leucine to a premature stop codon (TTA>TAA), and is predicted to cause loss of normal protein function through either protein truncation or nonsense-mediated mRNA decay. Although this variant has not, to our knowledge, been reported in the literature, it is considered likely pathogenic.

Literature cited by the submitters: PubMed 20077502 (cited by Labcorp Genetics (formerly Invitae), Labcorp); PubMed 21344236 (cited by Labcorp Genetics (formerly Invitae), Labcorp); PubMed 28726808 (cited by 3 submitters); PubMed 31159747 (cited by Labcorp Genetics (formerly Invitae), Labcorp and Color Diagnostics, LLC DBA Color Health); PubMed 29922827 (cited by Color Diagnostics, LLC DBA Color Health); PubMed 29982661 (cited by Color Diagnostics, LLC DBA Color Health); PubMed 36187937 (cited by Color Diagnostics, LLC DBA Color Health); PubMed 37239058 (cited by Color Diagnostics, LLC DBA Color Health).

NM_000465.4(BARD1):c.632T>A (p.Leu211Ter)

Gene: BARD1 (BRCA1 associated RING domain 1; minus strand). Cytogenetic location: 2q35.
Variant type: single nucleotide variant.
Coding change: c.632T>A on transcript NM_000465.4 (MANE Select); coding-DNA position 632, T replaced by A.
Protein change: p.Leu211Ter; replaces leucine 211 with a stop codon.
Molecular consequence: nonsense. On other transcripts: non-coding transcript variant (2), intron variant (3).
Genome position (GRCh38, 1-based): chr2:214,781,242, A>T on the plus strand (T>A on the coding strand, the complement: BARD1 is on the minus strand). VCF-style: chr2-214781242-A-T. GRCh37 (hg19) VCF-style: chr2-215645966-A-T.
Other names: c.575T>A, p.Leu192Ter (NM_001282543.2); c.158+28170T>A (NM_001282548.2); c.215+15819T>A (NM_001282545.2); c.364+11055T>A (NM_001282549.2); short protein forms L211*, L192*.
Identifiers: ClinVar variation 545984 (VCV000545984.25), dbSNP rs762171436, ClinGen allele CA350456639.